The following is an entry in ClinVar:

NM_000051.4(ATM):c.1293_1294delinsAT (p.Glu431_Leu432=)

Gene: ATM (ATM serine/threonine kinase; plus strand). Cytogenetic location: 11q22.3.
Variant type: Indel.
Coding change: c.1293_1294delinsAT on transcript NM_000051.4 (MANE Select); coding-DNA positions 1293 to 1294, GC replaced by AT.
Protein change: p.Glu431_Leu432=.
Molecular consequence: synonymous variant.
Genome position (GRCh38, 1-based): chr11:108,250,758-108,250,759, GC replaced by AT. VCF-style: chr11-108250758-GC-AT. GRCh37 (hg19) VCF-style: chr11-108121485-GC-AT.
Other names: c.1293_1294delinsAT, p.Glu431_Leu432= (NM_001351834.2).
Identifiers: ClinVar variation 750818 (VCV000750818.9), dbSNP rs1591523100, ClinGen allele CA915948348.

ClinVar aggregate classification (germline): Conflicting classifications of pathogenicity. Review status: criteria provided, conflicting classifications (1 of 4 stars). 2 submissions from 2 submitters: Uncertain significance (1); Likely benign (1). Last evaluated 2024-10-12.

Conditions:
Hereditary cancer-predisposing syndrome. Also called: Tumor predisposition; Hereditary Cancer Syndrome; Neoplastic Syndromes, Hereditary; Hereditary neoplastic syndrome. Identifiers: Orphanet 140162, MedGen C0027672, MeSH D009386, MONDO:0015356.
Ataxia-telangiectasia syndrome (AT). Also called: Ataxia-telangiectasia; AT, COMPLEMENTATION GROUP C; LOUIS-BAR SYNDROME; Ataxia telangiectasia (A-T); Cerebello-oculocutaneous telangiectasia; Immunodeficiency with ataxia telangiectasia. Identifiers: Orphanet 100, MedGen C0004135, MONDO:0008840, OMIM 208900.

Submissions (2):

Labcorp Genetics (formerly Invitae), Labcorp
Classification: Likely benign for Ataxia-telangiectasia syndrome. Last evaluated: 2024-10-12. Review status: criteria provided, single submitter. Criteria: Invitae Variant Classification Sherloc (09022015). Collection method: clinical testing. Allele origin: germline.

Ambry Genetics
Classification: Uncertain significance for Hereditary cancer-predisposing syndrome. Last evaluated: 2024-01-05. Review status: criteria provided, single submitter. Criteria: Ambry Variant Classification Scheme 2023. Collection method: clinical testing. Allele origin: germline.
Comment: The c.1293_1294delGCinsAT variant (also known as p.L432L), located in coding exon 9 of the ATM gene, results from an in-frame deletion of GC and insertion of AT at nucleotide positions 1293 to 1294. This does not impact the leucine residue at codon 432. This nucleotide region is not well conserved in available vertebrate species. In silico splice site analysis for this alteration is inconclusive. Since supporting evidence is limited at this time, the clinical significance of this alteration remains unclear.